The following is an entry in ClinVar:

NM_001854.4(COL11A1):c.4142G>T (p.Gly1381Val)

Gene: COL11A1 (collagen type XI alpha 1 chain; minus strand). Cytogenetic location: 1p21.1.
Variant type: single nucleotide variant.
Coding change: c.4142G>T on transcript NM_001854.4 (MANE Select); coding-DNA position 4142, G replaced by T.
Protein change: p.Gly1381Val; replaces glycine 1381 with valine.
Molecular consequence: missense variant. On other transcripts: non-coding transcript variant (1).
Genome position (GRCh38, 1-based): chr1:102,898,772, C>A on the plus strand (G>T on the coding strand, the complement: COL11A1 is on the minus strand). VCF-style: chr1-102898772-C-A. GRCh37 (hg19) VCF-style: chr1-103364328-C-A.
Other names: c.4142G>T (NM_001854.3); c.3794G>T, p.Gly1265Val (NM_001168249.1, NM_080630.4); c.4025G>T, p.Gly1342Val (NM_001190709.2); c.4178G>T, p.Gly1393Val (NM_080629.3); short protein forms G1381V, G1265V, G1393V, G1342V.
Identifiers: ClinVar variation 2751687 (VCV002751687.4), dbSNP rs2524335859, ClinGen allele CA341155521.

ClinVar aggregate classification (germline): Uncertain significance. Review status: criteria provided, multiple submitters, no conflicts (2 of 4 stars). 2 submissions from 2 submitters: Uncertain significance (2). Last evaluated 2024-11-18.

Submissions (2):

GeneDx
Classification: Uncertain significance. Last evaluated: 2024-11-18. Review status: criteria provided, single submitter. Criteria: GeneDx Variant Classification Process June 2021. Collection method: clinical testing. Allele origin: germline. Affected: yes.
Comment: Not observed at significant frequency in large population cohorts (gnomAD); In silico analysis supports that this missense variant has a deleterious effect on protein structure/function; Has not been previously published as pathogenic or benign to our knowledge; This variant is associated with the following publications: (PMID: 25240749)

Labcorp Genetics (formerly Invitae), Labcorp
Classification: Uncertain significance. Last evaluated: 2023-08-23. Review status: criteria provided, single submitter. Criteria: Invitae Variant Classification Sherloc (09022015). Collection method: clinical testing. Allele origin: germline.
Comment: This sequence change replaces glycine, which is neutral and non-polar, with valine, which is neutral and non-polar, at codon 1381 of the COL11A1 protein (p.Gly1381Val). This variant is not present in population databases (gnomAD no frequency). This variant has not been reported in the literature in individuals affected with COL11A1-related conditions. Experimental studies and prediction algorithms are not available or were not evaluated, and the functional significance of this variant is currently unknown. In summary, the available evidence is currently insufficient to determine the role of this variant in disease. Therefore, it has been classified as a Variant of Uncertain Significance.